The following is an entry in ClinVar:

NM_018180.3(DHX32):c.595G>C (p.Gly199Arg)

Gene: DHX32 (DEAH-box helicase 32 (putative); minus strand). Cytogenetic location: 10q26.2.
Variant type: single nucleotide variant.
Coding change: c.595G>C on transcript NM_018180.3 (MANE Select); coding-DNA position 595, G replaced by C.
Protein change: p.Gly199Arg; replaces glycine 199 with arginine.
Molecular consequence: missense variant.
Genome position (GRCh38, 1-based): chr10:125,859,857, C>G on the plus strand (G>C on the coding strand, the complement: DHX32 is on the minus strand). VCF-style: chr10-125859857-C-G. GRCh37 (hg19) VCF-style: chr10-127548426-C-G.
Other names: short protein forms G199R.
Identifiers: ClinVar variation 1955853 (VCV001955853.5), dbSNP rs758265066, ClinGen allele CA5739418.

ClinVar aggregate classification (germline): Uncertain significance (1 of 4 stars; one submission).

Allele frequency attached by ClinVar (database versions not stated): gnomAD 0.00001; gnomAD exomes 0.00001; TOPMed 0.00002; ExAC 0.00003.
gnomAD v4.1: 14 of 1,613,850 alleles (0.00087%); highest among the groups gnomAD compares: East Asian, 0.027%; no homozygotes.

Submission:

Labcorp Genetics (formerly Invitae), Labcorp
Classification: Uncertain significance. Last evaluated: 2022-11-12. Review status: criteria provided, single submitter. Criteria: Invitae Variant Classification Sherloc (09022015). Collection method: clinical testing. Allele origin: germline.
Comment: This sequence change replaces glycine, which is neutral and non-polar, with arginine, which is basic and polar, at codon 199 of the DHX32 protein (p.Gly199Arg). In summary, the available evidence is currently insufficient to determine the role of this variant in disease. Therefore, it has been classified as a Variant of Uncertain Significance. Algorithms developed to predict the effect of missense changes on protein structure and function (SIFT, PolyPhen-2, Align-GVGD) all suggest that this variant is likely to be disruptive. This variant has not been reported in the literature in individuals affected with DHX32-related conditions. This variant is present in population databases (rs758265066, gnomAD 0.06%).